The following is an entry in ClinVar:

ClinVar aggregate classification (germline): Uncertain significance. Review status: criteria provided, single submitter (1 of 4 stars). 2 submissions from 2 submitters: Uncertain significance (1). 1 of the submissions does not count toward it. Last evaluated 2024-05-07.

Conditions:
Intellectual developmental disorder with abnormal behavior, microcephaly, and short stature. Identifiers: MedGen C5193039, MONDO:0032687, OMIM 618342.

Allele frequency attached by ClinVar (database versions not stated): gnomAD exomes below 0.00001 and 0.00001; TOPMed below 0.00001; gnomAD 0.00001; ExAC 0.00002; ESP Exome Variant Server 0.00008.
gnomAD v4.1: 4 of 1,609,548 alleles (0.00025%); highest among the groups gnomAD compares: Admixed American, 0.0017%; no homozygotes.

Submissions (2):

GeneDx
Classification: Uncertain significance. Last evaluated: 2024-05-07. Review status: criteria provided, single submitter. Criteria: GeneDx Variant Classification Process June 2021. Collection method: clinical testing. Allele origin: germline. Affected: yes.
Comment: In silico analysis supports that this missense variant has a deleterious effect on protein structure/function; Has not been previously published as pathogenic or benign to our knowledge

Clinical Genetics Laboratory, University Hospital Schleswig-Holstein
Classification: Uncertain significance for Intellectual developmental disorder with abnormal behavior, microcephaly, and short stature. Last evaluated: 2021-06-08. Review status: no assertion criteria provided. Collection method: clinical testing. Allele origin: germline. Affected: yes. Not counted in ClinVar's aggregate classification.

NM_019042.5(PUS7):c.406G>A (p.Asp136Asn)

Gene: PUS7 (pseudouridine synthase 7; minus strand). Cytogenetic location: 7q22.3.
Variant type: single nucleotide variant.
Coding change: c.406G>A on transcript NM_019042.5 (MANE Select); coding-DNA position 406, G replaced by A.
Protein change: p.Asp136Asn; replaces aspartic acid 136 with asparagine.
Molecular consequence: missense variant.
Genome position (GRCh38, 1-based): chr7:105,506,266, C>T on the plus strand (G>A on the coding strand, the complement: PUS7 is on the minus strand). VCF-style: chr7-105506266-C-T. GRCh37 (hg19) VCF-style: chr7-105146713-C-T.
Other names: c.406G>A, p.Asp136Asn (NM_001318163.1, NM_001318164.2); short protein forms D136N.
Identifiers: ClinVar variation 1202679 (VCV001202679.6), dbSNP rs146265407, ClinGen allele CA4426197.